The following is an entry in ClinVar:

NM_000186.4(CFH):c.1162A>G (p.Lys388Glu)

Gene: CFH (complement factor H; plus strand). Cytogenetic location: 1q31.3.
Variant type: single nucleotide variant.
Coding change: c.1162A>G on transcript NM_000186.4 (MANE Select); coding-DNA position 1162, A replaced by G.
Protein change: p.Lys388Glu; replaces lysine 388 with glutamic acid.
Molecular consequence: missense variant.
Genome position (GRCh38, 1-based): chr1:196,690,065, A>G. VCF-style: chr1-196690065-A-G. GRCh37 (hg19) VCF-style: chr1-196659195-A-G.
Other names: c.1162A>G, p.Lys388Glu (NM_001014975.3); short protein forms K388E.
Identifiers: ClinVar variation 1506533 (VCV001506533.6), dbSNP rs2149088636, ClinGen allele CA343980499.
Genomic context (GRCh38, chr1:196,690,065, plus strand): 5'-TTGAGCAAATTTATGTTTCTCATTTACTTTATTTATTTATCATTGTTATGGTCCTTAGGA[A>G]AATGTTATTTTCCTTATTTGGAAAATGGATATAATCAAAATCATGGAAGAAAGTTTGTAC-3'
Protein context (NP_000177.2, residues 378-398): GWSPAVPCLR[Lys388Glu]CYFPYLENGY

ClinVar aggregate classification (germline): Uncertain significance (1 of 4 stars; one submission).

gnomAD v4.1: 1 of 1,607,526 alleles (0.000062%); highest among the groups gnomAD compares: Non-Finnish European, 0.000085%; no homozygotes.

Submission:

Labcorp Genetics (formerly Invitae), Labcorp
Classification: Uncertain significance. Last evaluated: 2024-01-02. Review status: criteria provided, single submitter. Criteria: Invitae Variant Classification Sherloc (09022015). Collection method: clinical testing. Allele origin: germline.
Comment: This sequence change replaces lysine, which is basic and polar, with glutamic acid, which is acidic and polar, at codon 388 of the CFH protein (p.Lys388Glu). This variant is not present in population databases (gnomAD no frequency). This variant has not been reported in the literature in individuals affected with CFH-related conditions. ClinVar contains an entry for this variant (Variation ID: 1506533). An algorithm developed to predict the effect of missense changes on protein structure and function (PolyPhen-2) suggests that this variant is likely to be tolerated. In summary, the available evidence is currently insufficient to determine the role of this variant in disease. Therefore, it has been classified as a Variant of Uncertain Significance.